The following is an entry in ClinVar:

NM_201384.3(PLEC):c.9656C>G (p.Ala3219Gly)

Gene: PLEC (plectin; minus strand). Cytogenetic location: 8q24.3.
Variant type: single nucleotide variant.
Coding change: c.9656C>G on transcript NM_201384.3 (MANE Select); coding-DNA position 9656, C replaced by G.
Protein change: p.Ala3219Gly; replaces alanine 3219 with glycine.
Molecular consequence: missense variant.
Genome position (GRCh38, 1-based): chr8:143,920,165, G>C on the plus strand (C>G on the coding strand, the complement: PLEC is on the minus strand). VCF-style: chr8-143920165-G-C. GRCh37 (hg19) VCF-style: chr8-144994333-G-C.
Other names: c.9560C>G, p.Ala3187Gly (NM_201381.3); c.9656C>G, p.Ala3219Gly (NM_201382.4); c.9668C>G, p.Ala3223Gly (NM_201383.3); c.9737C>G, p.Ala3246Gly (NM_000445.5); c.6356C>G, p.Ala2119Gly (NM_001410941.1); c.9614C>G, p.Ala3205Gly (NM_201378.4); c.9590C>G, p.Ala3197Gly (NM_201379.3); c.10067C>G, p.Ala3356Gly (NM_201380.4); short protein forms A2119G, A3187G, A3197G, A3205G, A3219G, A3223G, A3246G, A3356G.
Identifiers: ClinVar variation 3749269 (VCV003749269.2).

ClinVar aggregate classification (germline): Uncertain significance (1 of 4 stars; one submission).

Conditions:
Epidermolysis bullosa simplex with nail dystrophy (EBS5D). Identifiers: MedGen C4225309, MONDO:0014661, OMIM 616487.
Autosomal recessive limb-girdle muscular dystrophy type 2Q (LGMDR17). Also called: MUSCULAR DYSTROPHY, LIMB-GIRDLE, AUTOSOMAL RECESSIVE 17. Identifiers: Orphanet 254361, MedGen C3150989, MONDO:0013390, OMIM 613723.
Epidermolysis bullosa simplex 5B, with muscular dystrophy (EBS5B). Also called: Epidermolysis bullosa simplex with muscular dystrophy; EPIDERMOLYSIS BULLOSA SIMPLEX AND LIMB-GIRDLE MUSCULAR DYSTROPHY. Identifiers: Orphanet 257, MedGen C2931072, MONDO:0009181, OMIM 226670.
Epidermolysis bullosa simplex 5C, with pyloric atresia (EBS5C). Also called: PLEC-Related Epidermolysis Bullosa with Pyloric Atresia; Epidermolysis bullosa simplex with pyloric atresia; PLEC1-Related Epidermolysis Bullosa with Pyloric Atresia. Identifiers: Orphanet 158684, MedGen C2677349, MONDO:0012807, OMIM 612138.
Epidermolysis bullosa simplex, Ogna type (EBS5A). Also called: Pidermolysis bullosa simplex 5A, Ogna type; EPIDERMOLYSIS BULLOSA SIMPLEX 5A, OGNA TYPE. Identifiers: Orphanet 79401, MedGen C0432317, MONDO:0007555, OMIM 131950.

gnomAD v4.1: 2 of 1,612,410 alleles (0.00012%); highest among the groups gnomAD compares: Non-Finnish European, 0.000085%; no homozygotes.

Submission:

Labcorp Genetics (formerly Invitae), Labcorp
Classification: Uncertain significance for Autosomal recessive limb-girdle muscular dystrophy type 2Q; Epidermolysis bullosa simplex, Ogna type; Epidermolysis bullosa simplex with nail dystrophy; Epidermolysis bullosa simplex 5C, with pyloric atresia; Epidermolysis bullosa simplex 5B, with muscular dystrophy. Last evaluated: 2024-12-19. Review status: criteria provided, single submitter. Criteria: Invitae Variant Classification Sherloc (09022015). Collection method: clinical testing. Allele origin: germline.
Comment: This sequence change replaces alanine, which is neutral and non-polar, with glycine, which is neutral and non-polar, at codon 3246 of the PLEC protein (p.Ala3246Gly). This variant is not present in population databases (gnomAD no frequency). This variant has not been reported in the literature in individuals affected with PLEC-related conditions. An algorithm developed to predict the effect of missense changes on protein structure and function (PolyPhen-2) suggests that this variant is likely to be disruptive. In summary, the available evidence is currently insufficient to determine the role of this variant in disease. Therefore, it has been classified as a Variant of Uncertain Significance.